The following is an entry in ClinVar:

NM_001848.3(COL6A1):c.902A>T (p.Lys301Met)

Gene: COL6A1 (collagen type VI alpha 1 chain; plus strand). Cytogenetic location: 21q22.3.
Variant type: single nucleotide variant.
Coding change: c.902A>T on transcript NM_001848.3 (MANE Select); coding-DNA position 902, A replaced by T.
Protein change: p.Lys301Met; replaces lysine 301 with methionine.
Molecular consequence: missense variant.
Genome position (GRCh38, 1-based): chr21:45,989,651, A>T. VCF-style: chr21-45989651-A-T. GRCh37 (hg19) VCF-style: chr21-47409565-A-T.
Other names: short protein forms K301M.
Identifiers: ClinVar variation 4538693 (VCV004538693.1).
Genomic context (GRCh38, chr21:45,989,651, plus strand): 5'-CTCCTCCTGTGTTCCAGGGAAGACCCGGGGACCTCGGACCTGTTGGGTACCAGGGAATGA[A>T]GGTACGTGCCCCCCCTTTCCTGGCCCGAGCCCGGTGGTGCCCTCAGCCTTGCACAGCACT-3'
Protein context (NP_001839.2, residues 291-311): DLGPVGYQGM[Lys301Met]GEKGSRGEKG

ClinVar aggregate classification (germline): Uncertain significance (1 of 4 stars; one submission).

Submission:

GeneDx
Classification: Uncertain significance. Last evaluated: 2025-06-17. Review status: criteria provided, single submitter. Criteria: GeneDx Variant Classification Process June 2021. Collection method: clinical testing. Allele origin: germline. Affected: yes.
Comment: Not observed at significant frequency in large population cohorts (gnomAD); In silico analysis supports that this missense variant has a deleterious effect on protein structure/function; Has not been previously published as pathogenic or benign to our knowledge